The following is an entry in ClinVar:

ClinVar aggregate classification (germline): Uncertain significance (1 of 4 stars; one submission).

Submission:

CeGaT Center for Human Genetics Tuebingen
Classification: Uncertain significance. Last evaluated: 2026-07-01. Review status: criteria provided, single submitter. Criteria: CeGaT Center For Human Genetics Tuebingen Variant Classification Criteria Version 2. Collection method: clinical testing. Allele origin: germline. Affected: yes. Observed: 1 variant allele.
Comment: ATP1A3: PM2, PP3

NM_152296.5(ATP1A3):c.1910G>T (p.Arg637Leu)

Gene: ATP1A3 (ATPase Na+/K+ transporting subunit alpha 3; minus strand). Cytogenetic location: 19q13.2.
Variant type: single nucleotide variant.
Coding change: c.1910G>T on transcript NM_152296.5 (MANE Select); coding-DNA position 1910, G replaced by T.
Protein change: p.Arg637Leu; replaces arginine 637 with leucine.
Molecular consequence: missense variant.
Genome position (GRCh38, 1-based): chr19:41,977,969, C>A on the plus strand (G>T on the coding strand, the complement: ATP1A3 is on the minus strand). VCF-style: chr19-41977969-C-A. GRCh37 (hg19) VCF-style: chr19-42482121-C-A.
Other names: c.1943G>T, p.Arg648Leu (NM_001256213.2); c.1949G>T, p.Arg650Leu (NM_001256214.2); short protein forms R637L, R648L, R650L.
Identifiers: ClinVar variation 5039984 (VCV005039984.1).